The following is an entry in ClinVar:

ClinVar aggregate classification (germline): Uncertain significance (1 of 4 stars; one submission).

Conditions:
Familial hypercholesterolemia. Also called: Familial hypercholesterolaemia. Identifiers: MedGen C0020445, MONDO:0005439.

Submission:

Color Diagnostics, LLC DBA Color Health
Classification: Uncertain significance for Familial hypercholesterolemia. Last evaluated: 2025-05-30. Review status: criteria provided, single submitter. Criteria: ACMG Guidelines, 2015. Collection method: clinical testing. Allele origin: germline.
Comment: This missense variant replaces glutamine with arginine at codon 190 of the PCSK9 protein. Computational prediction suggests that this variant may not impact protein structure and function. To our knowledge, functional studies have not been reported for this variant. This variant has not been reported in individuals affected with PCSK9-related disorders in the literature. This variant has not been identified in the general population by the Genome Aggregation Database (gnomAD). The available evidence is insufficient to determine the role of this variant in disease conclusively. Therefore, this variant is classified as a Variant of Uncertain Significance.

NM_174936.4(PCSK9):c.569A>G (p.Gln190Arg)

Gene: PCSK9 (proprotein convertase subtilisin/kexin type 9; plus strand). Cytogenetic location: 1p32.3.
Variant type: single nucleotide variant.
Coding change: c.569A>G on transcript NM_174936.4 (MANE Select); coding-DNA position 569, A replaced by G.
Protein change: p.Gln190Arg; replaces glutamine 190 with arginine.
Molecular consequence: missense variant. On other transcripts: non-coding transcript variant (8).
Genome position (GRCh38, 1-based): chr1:55,052,323, A>G. VCF-style: chr1-55052323-A-G. GRCh37 (hg19) VCF-style: chr1-55517996-A-G.
Other names: c.194A>G, p.Gln65Arg (NM_001407246.1); c.569A>G, p.Gln190Arg (NM_001407247.1, NM_001407241.1, NM_001407242.1 and 1 more transcripts); c.692A>G, p.Gln231Arg (NM_001407240.1); c.512A>G, p.Gln171Arg (NM_001407243.1); c.377A>G, p.Gln126Arg (NM_001407245.1); short protein forms Q126R, Q171R, Q190R, Q231R, Q65R.
Identifiers: ClinVar variation 4756750 (VCV004756750.1).